The following is an entry in ClinVar:

NM_002476.2(MYL4):c.435G>C (p.Glu145Asp)

Gene: MYL4 (myosin light chain 4; plus strand). Cytogenetic location: 17q21.32.
Variant type: single nucleotide variant.
Coding change: c.435G>C on transcript NM_002476.2 (MANE Select); coding-DNA position 435, G replaced by C.
Protein change: p.Glu145Asp; replaces glutamic acid 145 with aspartic acid.
Molecular consequence: missense variant.
Genome position (GRCh38, 1-based): chr17:47,221,803, G>C. VCF-style: chr17-47221803-G-C. GRCh37 (hg19) VCF-style: chr17-45299169-G-C.
Other names: c.435G>C, p.Glu145Asp (NM_001002841.2); short protein forms E145D.
Identifiers: ClinVar variation 1345934 (VCV001345934.6), dbSNP rs765494388, ClinGen allele CA400022529.

ClinVar aggregate classification (germline): Uncertain significance (1 of 4 stars; one submission).

Conditions:
Atrial fibrillation, familial, 18 (ATFB18). Identifiers: MedGen C4310636, MONDO:0015001, OMIM 617280.

Submission:

Labcorp Genetics (formerly Invitae), Labcorp
Classification: Uncertain significance for Atrial fibrillation, familial, 18. Last evaluated: 2023-10-13. Review status: criteria provided, single submitter. Criteria: Invitae Variant Classification Sherloc (09022015). Collection method: clinical testing. Allele origin: germline.
Comment: This sequence change replaces glutamic acid, which is acidic and polar, with aspartic acid, which is acidic and polar, at codon 145 of the MYL4 protein (p.Glu145Asp). This variant is not present in population databases (gnomAD no frequency). This variant has not been reported in the literature in individuals affected with MYL4-related conditions. ClinVar contains an entry for this variant (Variation ID: 1345934). An algorithm developed to predict the effect of missense changes on protein structure and function (PolyPhen-2) suggests that this variant is likely to be disruptive. In summary, the available evidence is currently insufficient to determine the role of this variant in disease. Therefore, it has been classified as a Variant of Uncertain Significance.